The following is an entry in ClinVar:

NM_004333.6(BRAF):c.1690A>G (p.Met564Val)

Gene: BRAF (B-Raf proto-oncogene, serine/threonine kinase; minus strand). Cytogenetic location: 7q34.
Variant type: single nucleotide variant.
Coding change: c.1690A>G on transcript NM_004333.6 (MANE Select); coding-DNA position 1690, A replaced by G.
Protein change: p.Met564Val; replaces methionine 564 with valine.
Molecular consequence: missense variant.
Genome position (GRCh38, 1-based): chr7:140,776,916, T>C on the plus strand (A>G on the coding strand, the complement: BRAF is on the minus strand). VCF-style: chr7-140776916-T-C. GRCh37 (hg19) VCF-style: chr7-140476716-T-C.
Other names: c.1534A>G, p.Met512Val (NM_001378472.1, NM_001378473.1); c.1690A>G, p.Met564Val (NM_001378474.1, NM_001354609.2, NM_001378468.1); c.1426A>G, p.Met476Val (NM_001378475.1); c.1810A>G, p.Met604Val (NM_001374244.1, NM_001374258.1); c.1699A>G, p.Met567Val (NM_001378467.1); c.1624A>G, p.Met542Val (NM_001378469.1); c.1588A>G, p.Met530Val (NM_001378470.1); c.1579A>G, p.Met527Val (NM_001378471.1); short protein forms M476V, M512V, M527V, M530V, M542V, M564V, M567V, M604V.
Identifiers: ClinVar variation 1339665 (VCV001339665.14), dbSNP rs745783052, ClinGen allele CA4516694.

ClinVar aggregate classification (germline): Conflicting classifications of pathogenicity. Review status: criteria provided, conflicting classifications (1 of 4 stars). 4 submissions from 4 submitters: Likely pathogenic (1); Uncertain significance (3). Last evaluated 2025-02-26.

Conditions:
RASopathy. Also called: Noonan spectrum disorder; rasopathies. Identifiers: Orphanet 536391, MedGen C5555857, MONDO:0021060.
Primary dilated cardiomyopathy (DCM). Also called: Dilated Cardiomyopathy. Identifiers: Orphanet 217604, MedGen C0007193, MeSH D002311, MONDO:0005021, HP:0001644. Inheritance: Various modes of inheritance.
Colorectal cancer. Also called: Colorectal cancer, somatic; Malignant Colorectal Neoplasm. Identifiers: MedGen C0346629, MONDO:0005575, OMIM 114500.
Melanoma, cutaneous malignant, susceptibility to, 1 (CMM1). Also called: DYSPLASTIC NEVUS SYNDROME, HEREDITARY; FAMILIAL ATYPICAL MOLE-MALIGNANT MELANOMA SYNDROME; MELANOMA, MALIGNANT; B-K MOLE SYNDROME. Identifiers: Orphanet 618, MedGen C1835047, MONDO:0007963, OMIM 155600.
Lung cancer. Also called: Lung cancer, somatic; Malignant tumor of lung. Identifiers: MedGen C0242379, MONDO:0008903, OMIM 211980.
LEOPARD syndrome 3 (LPRD3). Identifiers: Orphanet 500, MedGen C3150971, MONDO:0013380, OMIM 613707.
Noonan syndrome 7 (NS7). Also called: BRAF-Related Noonan Syndrome. Identifiers: Orphanet 648, MedGen C3150970, MONDO:0013379, OMIM 613706.
Cardiofaciocutaneous syndrome 1 (CFC1). Also called: BRAF-Related Cardiofaciocutaneous Syndrome; MAP2K1-Related Cardiofaciocutaneous Syndrome; KRAS-Related Cardiofaciocutaneous Syndrome; MAP2K2-Related Cardiofaciocutaneous Syndrome. Identifiers: Orphanet 1340, MedGen CN029449, MONDO:0007265, OMIM 115150. Disease mechanism: gain of function.

Allele frequency attached by ClinVar (database versions not stated): ExAC 0.00001; gnomAD exomes 0.00001; TOPMed 0.00001.
gnomAD v4.1: 7 of 1,612,348 alleles (0.00043%); highest among the groups gnomAD compares: East Asian, 0.0089%; no homozygotes.

Submissions (4):

Labcorp Genetics (formerly Invitae), Labcorp
Classification: Uncertain significance for RASopathy. Last evaluated: 2025-02-26. Review status: criteria provided, single submitter. Criteria: Invitae Variant Classification Sherloc (09022015). Collection method: clinical testing. Allele origin: germline.
Comment: This sequence change replaces methionine, which is neutral and non-polar, with valine, which is neutral and non-polar, at codon 564 of the BRAF protein (p.Met564Val). This variant is present in population databases (rs745783052, gnomAD 0.01%). This variant has not been reported in the literature in individuals affected with BRAF-related conditions. ClinVar contains an entry for this variant (Variation ID: 1339665). Invitae Evidence Modeling of protein sequence and biophysical properties (such as structural, functional, and spatial information, amino acid conservation, physicochemical variation, residue mobility, and thermodynamic stability) indicates that this missense variant is not expected to disrupt BRAF protein function with a negative predictive value of 80%. In summary, the available evidence is currently insufficient to determine the role of this variant in disease. Therefore, it has been classified as a Variant of Uncertain Significance.

Fulgent Genetics
Classification: Uncertain significance for Colorectal cancer; Cardiofaciocutaneous syndrome 1; Melanoma, cutaneous malignant, susceptibility to, 1; Lung cancer; Noonan syndrome 7; LEOPARD syndrome 3. Last evaluated: 2024-05-03. Review status: criteria provided, single submitter. Criteria: ACMG Guidelines, 2015. Collection method: clinical testing. Allele origin: germline.

Clinical Center for Gene Diagnosis and Therapy, Department of Cardiovascular Surgery, The Second Xiangya Hospital of Central South University
Classification: Likely pathogenic for Primary dilated cardiomyopathy. Last evaluated: 2023-06-01. Review status: criteria provided, single submitter. Criteria: ACMG Guidelines, 2015. Collection method: clinical testing. Allele origin: germline. Affected: yes.

Women's Health and Genetics/Laboratory Corporation of America, LabCorp
Classification: Uncertain significance. Last evaluated: 2022-01-09. Review status: criteria provided, single submitter. Criteria: LabCorp Variant Classification Summary - May 2015. Collection method: clinical testing. Allele origin: germline.
Comment: Variant summary: BRAF c.1690A>G (p.Met564Val) results in a conservative amino acid change located in the Protein kinase domain (IP000719) of the encoded protein sequence. Four of five in-silico tools predict a damaging effect of the variant on protein function. The variant allele was found at a frequency of 1.2e-05 in 251270 control chromosomes. The available data on variant occurrences in the general population are insufficient to allow any conclusion about variant significance. To our knowledge, no occurrence of c.1690A>G in individuals affected with Cardiofaciocutaneous Syndrome and no experimental evidence demonstrating its impact on protein function have been reported. No clinical diagnostic laboratories have submitted clinical-significance assessments for this variant to ClinVar after 2014. Based on the evidence outlined above, the variant was classified as uncertain significance.